The following is an entry in ClinVar:

NM_018163.3(DNAJC17):c.323A>G (p.Gln108Arg)

Gene: DNAJC17 (DnaJ heat shock protein family (Hsp40) member C17; minus strand). Cytogenetic location: 15q15.1.
Variant type: single nucleotide variant.
Coding change: c.323A>G on transcript NM_018163.3 (MANE Select); coding-DNA position 323, A replaced by G.
Protein change: p.Gln108Arg; replaces glutamine 108 with arginine.
Molecular consequence: missense variant.
Genome position (GRCh38, 1-based): chr15:40,776,600, T>C on the plus strand (A>G on the coding strand, the complement: DNAJC17 is on the minus strand). VCF-style: chr15-40776600-T-C. GRCh37 (hg19) VCF-style: chr15-41068798-T-C.
Other names: short protein forms Q108R.
Identifiers: ClinVar variation 4702649 (VCV004702649.1).

ClinVar aggregate classification (germline): Uncertain significance (1 of 4 stars; one submission).

gnomAD v4.1: 9 of 1,613,910 alleles (0.00056%); highest among the groups gnomAD compares: Non-Finnish European, 0.00076%; no homozygotes.

Submission:

Labcorp Genetics (formerly Invitae), Labcorp
Classification: Uncertain significance. Last evaluated: 2025-11-08. Review status: criteria provided, single submitter. Criteria: Invitae Variant Classification Sherloc (09022015). Collection method: clinical testing. Allele origin: germline.
Comment: This sequence change replaces glutamine, which is neutral and polar, with arginine, which is basic and polar, at codon 108 of the DNAJC17 protein (p.Gln108Arg). This variant is present in population databases (no rsID available, gnomAD 0.007%). This variant has not been reported in the literature in individuals affected with DNAJC17-related conditions. An algorithm developed to predict the effect of missense changes on protein structure and function (PolyPhen-2) suggests that this variant is likely to be tolerated. In summary, the available evidence is currently insufficient to determine the role of this variant in disease. Therefore, it has been classified as a Variant of Uncertain Significance.